The following is an entry in ClinVar:

ClinVar aggregate classification (germline): Uncertain significance (1 of 4 stars; one submission).

Conditions:
Cohen syndrome (COH1). Also called: PEPPER SYNDROME; Cutis verticis gyrata, retinitis pigmentosa, and sensorineural deafness. Identifiers: Orphanet 193, MedGen C0265223, MONDO:0008999, OMIM 216550.

Allele frequency attached by ClinVar (database versions not stated): TOPMed below 0.00001.

Submission:

Labcorp Genetics (formerly Invitae), Labcorp
Classification: Uncertain significance for Cohen syndrome. Last evaluated: 2022-06-20. Review status: criteria provided, single submitter. Criteria: Invitae Variant Classification Sherloc (09022015). Collection method: clinical testing. Allele origin: germline.
Comment: This sequence change replaces glutamic acid, which is acidic and polar, with lysine, which is basic and polar, at codon 1649 of the VPS13B protein (p.Glu1649Lys). In summary, the available evidence is currently insufficient to determine the role of this variant in disease. Therefore, it has been classified as a Variant of Uncertain Significance. Algorithms developed to predict the effect of missense changes on protein structure and function are either unavailable or do not agree on the potential impact of this missense change (SIFT: "Not Available"; PolyPhen-2: "Benign"; Align-GVGD: "Not Available"). This variant has not been reported in the literature in individuals affected with VPS13B-related conditions. This variant is not present in population databases (gnomAD no frequency).

NM_152564.5(VPS13B):c.4870G>A (p.Glu1624Lys)

Gene: VPS13B (vacuolar protein sorting 13 homolog B; plus strand). Cytogenetic location: 8q22.2.
Variant type: single nucleotide variant.
Coding change: c.4870G>A on transcript NM_152564.5 (MANE Select); coding-DNA position 4870, G replaced by A.
Protein change: p.Glu1624Lys; replaces glutamic acid 1624 with lysine.
Molecular consequence: missense variant.
Genome position (GRCh38, 1-based): chr8:99,556,574, G>A. VCF-style: chr8-99556574-G-A. GRCh37 (hg19) VCF-style: chr8-100568802-G-A.
Other names: c.4945G>A, p.Glu1649Lys (NM_017890.5); short protein forms E1649K, E1624K.
Identifiers: ClinVar variation 2182328 (VCV002182328.4), dbSNP rs1257281144, ClinGen allele CA371869417.